The following is an entry in ClinVar:

NM_000426.4(LAMA2):c.3556-3C>A

Gene: LAMA2 (laminin subunit alpha 2; plus strand). Cytogenetic location: 6q22.33.
Variant type: single nucleotide variant.
Coding change: c.3556-3C>A on transcript NM_000426.4 (MANE Select); 3 bases into the intron before coding-DNA position 3556, C replaced by A.
Molecular consequence: intron variant.
Genome position (GRCh38, 1-based): chr6:129,315,473, C>A. VCF-style: chr6-129315473-C-A. GRCh37 (hg19) VCF-style: chr6-129636618-C-A.
Other names: c.3556-3C>A (NM_001079823.2).
Identifiers: ClinVar variation 2148047 (VCV002148047.1), dbSNP rs2482414509, ClinGen allele CA2580074919.

ClinVar aggregate classification (germline): Uncertain significance (1 of 4 stars; one submission).

Conditions:
LAMA2-related muscular dystrophy (LAMA2-RD). Also called: Laminin alpha 2-related dystrophy. Identifiers: MedGen C5679788, MONDO:0100228.

Submission:

Labcorp Genetics (formerly Invitae), Labcorp
Classification: Uncertain significance for LAMA2-related muscular dystrophy. Last evaluated: 2022-07-31. Review status: criteria provided, single submitter. Criteria: Invitae Variant Classification Sherloc (09022015). Collection method: clinical testing. Allele origin: germline.
Comment: This sequence change falls in intron 24 of the LAMA2 gene. It does not directly change the encoded amino acid sequence of the LAMA2 protein. It affects a nucleotide within the consensus splice site. This variant is not present in population databases (gnomAD no frequency). This variant has not been reported in the literature in individuals affected with LAMA2-related conditions. Variants that disrupt the consensus splice site are a relatively common cause of aberrant splicing (PMID: 17576681, 9536098). Algorithms developed to predict the effect of sequence changes on RNA splicing suggest that this variant may create or strengthen a splice site. In summary, the available evidence is currently insufficient to determine the role of this variant in disease. Therefore, it has been classified as a Variant of Uncertain Significance.

Literature cited by the submitters: PubMed 17576681; PubMed 9536098.